The following is an entry in ClinVar:

NM_001942.4(DSG1):c.2921T>A (p.Ile974Lys)

Genes: DSG1-AS1 (DSG1 antisense RNA 1; minus strand), DSG1 (desmoglein 1; plus strand). Cytogenetic location: 18q12.1.
Variant type: single nucleotide variant.
Coding change: c.2921T>A on transcript NM_001942.4 (MANE Select); coding-DNA position 2921, T replaced by A.
Protein change: p.Ile974Lys; replaces isoleucine 974 with lysine.
Molecular consequence: missense variant.
Genome position (GRCh38, 1-based): chr18:31,355,117, T>A. VCF-style: chr18-31355117-T-A. GRCh37 (hg19) VCF-style: chr18-28935080-T-A.
Other names: short protein forms I974K.
Identifiers: ClinVar variation 1437884 (VCV001437884.9), dbSNP rs758018823, ClinGen allele CA8926474.

ClinVar aggregate classification (germline): Uncertain significance (1 of 4 stars; one submission).

Allele frequency attached by ClinVar (database versions not stated): ExAC 0.00001; gnomAD exomes 0.00002 and 0.00006; gnomAD 0.00003 and 0.00004; TOPMed 0.00004.

Submission:

Labcorp Genetics (formerly Invitae), Labcorp
Classification: Uncertain significance. Last evaluated: 2024-05-11. Review status: criteria provided, single submitter. Criteria: Invitae Variant Classification Sherloc (09022015). Collection method: clinical testing. Allele origin: germline.
Comment: This sequence change replaces isoleucine, which is neutral and non-polar, with lysine, which is basic and polar, at codon 974 of the DSG1 protein (p.Ile974Lys). This variant is present in population databases (rs758018823, gnomAD 0.003%). This variant has not been reported in the literature in individuals affected with DSG1-related conditions. ClinVar contains an entry for this variant (Variation ID: 1437884). An algorithm developed to predict the effect of missense changes on protein structure and function (PolyPhen-2) suggests that this variant is likely to be tolerated. In summary, the available evidence is currently insufficient to determine the role of this variant in disease. Therefore, it has been classified as a Variant of Uncertain Significance.